The following is an entry in ClinVar:

ClinVar aggregate classification (germline): Uncertain significance (1 of 4 stars; one submission).

Conditions:
Charcot-Marie-Tooth disease axonal type 2O. Also called: Charcot-Marie-Tooth Neuropathy Type 2O; Charcot-Marie-Tooth disease, axonal, type 20; CHARCOT-MARIE-TOOTH NEUROPATHY, AXONAL, TYPE 2O; CHARCOT-MARIE-TOOTH DISEASE, AXONAL, AUTOSOMAL DOMINANT, TYPE 2O. Identifiers: Orphanet 284232, MedGen C3280220, MONDO:0013644, OMIM 614228.

Submission:

Labcorp Genetics (formerly Invitae), Labcorp
Classification: Uncertain significance for Charcot-Marie-Tooth disease axonal type 2O. Last evaluated: 2022-11-28. Review status: criteria provided, single submitter. Criteria: Invitae Variant Classification Sherloc (09022015). Collection method: clinical testing. Allele origin: germline.
Comment: This sequence change replaces tyrosine, which is neutral and polar, with cysteine, which is neutral and slightly polar, at codon 3125 of the DYNC1H1 protein (p.Tyr3125Cys). This variant is not present in population databases (gnomAD no frequency). This variant has not been reported in the literature in individuals affected with DYNC1H1-related conditions. ClinVar contains an entry for this variant (Variation ID: 1372163). Advanced modeling of protein sequence and biophysical properties (such as structural, functional, and spatial information, amino acid conservation, physicochemical variation, residue mobility, and thermodynamic stability) performed at Invitae indicates that this missense variant is not expected to disrupt DYNC1H1 protein function. In summary, the available evidence is currently insufficient to determine the role of this variant in disease. Therefore, it has been classified as a Variant of Uncertain Significance.

NM_001376.5(DYNC1H1):c.9374A>G (p.Tyr3125Cys)

Genes: DYNC1H1 (dynein cytoplasmic 1 heavy chain 1; plus strand), LOC126862060 (BRD4-independent group 4 enhancer GRCh37_chr14:102493659-102494858; plus strand). Cytogenetic location: 14q32.31.
Variant type: single nucleotide variant.
Coding change: c.9374A>G on transcript NM_001376.5 (MANE Select); coding-DNA position 9374, A replaced by G.
Protein change: p.Tyr3125Cys; replaces tyrosine 3125 with cysteine.
Molecular consequence: missense variant.
Genome position (GRCh38, 1-based): chr14:102,028,047, A>G. VCF-style: chr14-102028047-A-G. GRCh37 (hg19) VCF-style: chr14-102494384-A-G.
Other names: short protein forms Y3125C.
Identifiers: ClinVar variation 1372163 (VCV001372163.6), dbSNP rs2152589339, ClinGen allele CA391014010.